The following is an entry in ClinVar:

ClinVar aggregate classification (germline): Uncertain significance (1 of 4 stars; one submission).

Conditions:
Osteogenesis imperfecta type I (OI1). Also called: OI, TYPE I; OSTEOGENESIS IMPERFECTA TARDA; OSTEOGENESIS IMPERFECTA WITH BLUE SCLERAE; Lobstein disease; Classic Non-deforming Osteogenesis Imperfecta with Blue Sclerae; Osteogenesis imperfecta type 1. Identifiers: Orphanet 216796, Orphanet 666, MedGen C0023931, MONDO:0008146, OMIM 166200. Disease mechanism: loss of function.

Submission:

Institute of Human Genetics, University of Goettingen
Classification: Uncertain significance for Osteogenesis imperfecta type I. Last evaluated: 2023-07-13. Review status: criteria provided, single submitter. Criteria: ACMG Guidelines, 2015. Collection method: clinical testing. Allele origin: paternal. Inheritance: Autosomal dominant inheritance. Observed: 1 heterozygote.
Comment: The c.696+5del is not found in the gnomAD database. It most probably leads to an alteration of the WT-donor splice site, most probably affecting splicing, as predicted by various in silico splicing prediction programs (Human Splicing Finder, SpliceSiteFinder-like, MaxEntScan, NNSPLICE, GeneSplicer). To our knowledge, this variant was not reported in literature before. ACMG criteria used for classification: PM2, PP3.

NM_000088.4(COL1A1):c.696+5del

Gene: COL1A1 (collagen type I alpha 1 chain; minus strand). Cytogenetic location: 17q21.33.
Variant type: Deletion.
Coding change: c.696+5del on transcript NM_000088.4 (MANE Select); 5 bases into the intron after coding-DNA position 696, one base deleted (G; older notation c.696+5delG).
Molecular consequence: intron variant.
Genome position (GRCh38, 1-based): chr17:50,197,727, C deleted on the plus strand (G on the coding strand, the reverse complement: COL1A1 is on the minus strand). VCF-style (leftmost placement, unchanged base first): chr17-50197726-AC-A. GRCh37 (hg19) VCF-style: chr17-48275087-AC-A.
Identifiers: ClinVar variation 2572057 (VCV002572057.1), dbSNP rs2509244920, ClinGen allele CA2580612651.